The following is an entry in ClinVar:

ClinVar aggregate classification (germline): Benign/Likely benign. Review status: criteria provided, multiple submitters, no conflicts (2 of 4 stars). 4 submissions from 4 submitters: Benign (1); Likely benign (3). Last evaluated 2026-01-08.

Conditions:
Macular corneal dystrophy (MCD). Also called: GROENOUW TYPE II CORNEAL DYSTROPHY; Macular corneal dystrophy Type I. Identifiers: Orphanet 98969, MedGen C1636149, MONDO:0009020, OMIM 217800.

Allele frequency attached by ClinVar (database versions not stated): gnomAD exomes 0.00069; ExAC 0.00089; gnomAD 0.00226 and 0.00247; TOPMed 0.00264; 1000 Genomes Project 30x 0.00265; 1000 Genomes Project 0.00280; ESP Exome Variant Server 0.00346.

Submissions (4):

Labcorp Genetics (formerly Invitae), Labcorp
Classification: Benign for Macular corneal dystrophy. Last evaluated: 2026-01-08. Review status: criteria provided, single submitter. Criteria: Invitae Variant Classification Sherloc (09022015). Collection method: clinical testing. Allele origin: germline.

Blueprint Genetics
Classification: Likely benign. Last evaluated: 2024-10-24. Review status: criteria provided, single submitter. Criteria: ACMG Guidelines, 2015. Collection method: clinical testing. Allele origin: germline.

Illumina Laboratory Services, Illumina
Classification: Likely benign for Macular corneal dystrophy. Last evaluated: 2018-01-13. Review status: criteria provided, single submitter. Criteria: ICSL Variant Classification Criteria 13 December 2019. Collection method: clinical testing. Allele origin: germline.
Comment: This variant was observed in the ICSL laboratory as part of a predisposition screen in an ostensibly healthy population. It had not been previously curated by ICSL or reported in the Human Gene Mutation Database (HGMD: prior to June 1st, 2018), and was therefore a candidate for classification through an automated scoring system. Utilizing variant allele frequency, disease prevalence and penetrance estimates, and inheritance mode, an automated score was calculated to assess if this variant is too frequent to cause the disease. Based on the score and internal cut-off values, a variant classified as likely benign is not then subjected to further curation. The score for this variant resulted in a classification of likely benign for this disease.

Breakthrough Genomics
Classification: Likely benign. Review status: criteria provided, single submitter. Criteria: ACMG Guidelines, 2015. Collection method: not provided. Allele origin: germline. Inheritance: Autosomal recessive inheritance. Affected: yes.

NM_021615.5(CHST6):c.237C>T (p.Thr79=)

Gene: CHST6 (carbohydrate sulfotransferase 6; minus strand). Cytogenetic location: 16q23.1.
Variant type: single nucleotide variant.
Coding change: c.237C>T on transcript NM_021615.5 (MANE Select); coding-DNA position 237, C replaced by T.
Protein change: p.Thr79=; no amino-acid change (threonine 79 retained).
Molecular consequence: synonymous variant.
Genome position (GRCh38, 1-based): chr16:75,479,592, G>A on the plus strand (C>T on the coding strand, the complement: CHST6 is on the minus strand). VCF-style: chr16-75479592-G-A. GRCh37 (hg19) VCF-style: chr16-75513490-G-A.
Identifiers: ClinVar variation 784588 (VCV000784588.12), dbSNP rs112148613, ClinGen allele CA8175552.